The following is an entry in ClinVar:

NM_022765.4(MICAL1):c.177C>G (p.Ser59Arg)

Gene: MICAL1 (microtubule associated monooxygenase, calponin and LIM domain containing 1; minus strand). Cytogenetic location: 6q21.
Variant type: single nucleotide variant.
Coding change: c.177C>G on transcript NM_022765.4 (MANE Select); coding-DNA position 177, C replaced by G.
Protein change: p.Ser59Arg; replaces serine 59 with arginine.
Molecular consequence: missense variant.
Genome position (GRCh38, 1-based): chr6:109,454,020, G>C on the plus strand (C>G on the coding strand, the complement: MICAL1 is on the minus strand). VCF-style: chr6-109454020-G-C. GRCh37 (hg19) VCF-style: chr6-109775223-G-C.
Other names: c.177C>G, p.Ser59Arg (NM_001159291.2); c.234C>G, p.Ser78Arg (NM_001286613.2); short protein forms S78R, S59R.
Identifiers: ClinVar variation 2840530 (VCV002840530.3), dbSNP rs775831809, ClinGen allele CA365233826.

ClinVar aggregate classification (germline): Uncertain significance (1 of 4 stars; one submission).

Submission:

Labcorp Genetics (formerly Invitae), Labcorp
Classification: Uncertain significance. Last evaluated: 2023-02-24. Review status: criteria provided, single submitter. Criteria: Invitae Variant Classification Sherloc (09022015). Collection method: clinical testing. Allele origin: germline.
Comment: This variant has not been reported in the literature in individuals affected with MICAL1-related conditions. In summary, the available evidence is currently insufficient to determine the role of this variant in disease. Therefore, it has been classified as a Variant of Uncertain Significance. An algorithm developed to predict the effect of missense changes on protein structure and function (PolyPhen-2) suggests that this variant is likely to be disruptive. This variant is not present in population databases (gnomAD no frequency). This sequence change replaces serine, which is neutral and polar, with arginine, which is basic and polar, at codon 78 of the MICAL1 protein (p.Ser78Arg).